The following is an entry in ClinVar:

NM_001018005.2(TPM1):c.276C>G (p.Ile92Met)

Gene: TPM1 (tropomyosin 1; plus strand). Cytogenetic location: 15q22.2.
Variant type: single nucleotide variant.
Coding change: c.276C>G on transcript NM_001018005.2 (MANE Select); coding-DNA position 276, C replaced by G.
Protein change: p.Ile92Met; replaces isoleucine 92 with methionine.
Molecular consequence: missense variant.
Genome position (GRCh38, 1-based): chr15:63,057,020, C>G. VCF-style: chr15-63057020-C-G. GRCh37 (hg19) VCF-style: chr15-63349219-C-G.
Other names: p.I92M:ATC>ATG; c.276C>G, p.Ile92Met (NM_000366.6, NM_001018004.2, NM_001018006.2 and 6 more transcripts); c.168C>G, p.Ile56Met (NM_001018008.2, NM_001301289.2, NM_001330344.2 and 5 more transcripts); c.402C>G, p.Ile134Met (NM_001365778.1); short protein forms I92M, I134M, I56M.
Identifiers: ClinVar variation 181684 (VCV000181684.2), dbSNP rs730881157, ClinGen allele CA018813.

ClinVar aggregate classification (germline): Pathogenic (1 of 4 stars; one submission).

Submission:

GeneDx
Classification: Pathogenic. Last evaluated: 2012-03-01. Review status: criteria provided, single submitter. Criteria: GeneDx Variant Classification (06012015). Collection method: clinical testing. Allele origin: germline. Affected: yes.
Comment: Ile92Met has not been reported previously as a disease-causing mutation or as a benign polymorphism, to our knowledge. Although Ile92Met results in a conservative amino acid substitution of one non-polar residue for another, the substitution occurs at a position that is conserved across species. In silico analysis predicts Ile92Met is probably damaging to protein structure or function. Moreover, another mutation at the same residue (Ile92Thr) has been reported in a family with dilated cardiomyopathy, further supporting the functional importance of this residue and this region of the protein. The NHLBI ESP Exome Variant Server reports Ile92Met was not observed in approximately 5,000 samples from individuals of European and African American backgrounds, indicating it is not a common benign variant in these populations. The variant is found in DCM panel(s).